The following is an entry in ClinVar:

NM_013314.4(BLNK):c.419C>T (p.Pro140Leu)

Gene: BLNK (B cell linker; minus strand). Cytogenetic location: 10q24.1.
Variant type: single nucleotide variant.
Coding change: c.419C>T on transcript NM_013314.4 (MANE Select); coding-DNA position 419, C replaced by T.
Protein change: p.Pro140Leu; replaces proline 140 with leucine.
Molecular consequence: missense variant. On other transcripts: non-coding transcript variant (1), intron variant (1).
Genome position (GRCh38, 1-based): chr10:96,223,932, G>A on the plus strand (C>T on the coding strand, the complement: BLNK is on the minus strand). VCF-style: chr10-96223932-G-A. GRCh37 (hg19) VCF-style: chr10-97983688-G-A.
Other names: c.419C>T, p.Pro140Leu (NM_001114094.2, NM_001258440.2, NM_001258441.2); c.349+3490C>T (NM_001258442.2); short protein forms P140L.
Identifiers: ClinVar variation 1438023 (VCV001438023.6), dbSNP rs2134020896, ClinGen allele CA377724692.

ClinVar aggregate classification (germline): Uncertain significance (1 of 4 stars; one submission).

Conditions:
Agammaglobulinemia 4, autosomal recessive (AGM4). Also called: AGAMMAGLOBULINEMIA, AUTOSOMAL RECESSIVE, DUE TO BLNK DEFECT; B cell linker protein deficiency. Identifiers: MedGen C3150752, MONDO:0013289, OMIM 613502.

Submission:

Labcorp Genetics (formerly Invitae), Labcorp
Classification: Uncertain significance for Agammaglobulinemia 4, autosomal recessive. Last evaluated: 2021-09-21. Review status: criteria provided, single submitter. Criteria: Invitae Variant Classification Sherloc (09022015). Collection method: clinical testing. Allele origin: germline.
Comment: This variant is not present in population databases (ExAC no frequency). This sequence change replaces proline with leucine at codon 140 of the BLNK protein (p.Pro140Leu). The proline residue is highly conserved and there is a moderate physicochemical difference between proline and leucine. This variant has not been reported in the literature in individuals affected with BLNK-related conditions. Algorithms developed to predict the effect of missense changes on protein structure and function are either unavailable or do not agree on the potential impact of this missense change (SIFT: "Deleterious"; PolyPhen-2: "Benign"; Align-GVGD: "Class C0"). In summary, the available evidence is currently insufficient to determine the role of this variant in disease. Therefore, it has been classified as a Variant of Uncertain Significance.